The following is an entry in ClinVar:

NM_000551.4(VHL):c.524dup (p.Tyr175Ter)

Genes: VHL (von Hippel-Lindau tumor suppressor; plus strand), LOC107303340 (3p25 von Hippel-Lindau tumor suppressor, E3 ubiquitin protein ligase Alu-mediated recombination region; plus strand). Cytogenetic location: 3p25.3.
Variant type: Duplication.
Coding change: c.524dup on transcript NM_000551.4 (MANE Select); coding-DNA position 524, one base duplicated (A; older notation c.524dupA).
Protein change: p.Tyr175Ter; replaces tyrosine 175 with a stop codon.
Molecular consequence: nonsense. On other transcripts: 3 prime UTR variant (1).
Genome position (GRCh38, 1-based): chr3:10,149,847, A duplicated. VCF-style (leftmost placement, unchanged base first): chr3-10149846-T-TA. GRCh37 (hg19) VCF-style: chr3-10191530-T-TA.
Other names: c.524dupA (NM_000551.3); c.*78dup (NM_001354723.2); c.401dup, p.Tyr134Ter (NM_198156.3); short protein forms Y134*, Y175*.
Identifiers: ClinVar variation 2119727 (VCV002119727.5), dbSNP rs2470170948, ClinGen allele CA2580068484.

ClinVar aggregate classification (germline): Pathogenic. Review status: criteria provided, multiple submitters, no conflicts (2 of 4 stars). 2 submissions from 2 submitters: Pathogenic (2). Last evaluated 2025-11-26.

Conditions:
Von Hippel-Lindau syndrome (VHLS). Also called: VHL syndrome; Von Hippel-Lindau; von Hippel–Lindau syndrome. Identifiers: Orphanet 892, MedGen C0019562, MONDO:0008667, OMIM 193300. Disease mechanism: loss of function.
Chuvash polycythemia. Also called: POLYCYTHEMIA, VHL-DEPENDENT. Identifiers: Orphanet 238557, MedGen C1837915, MONDO:0009892, OMIM 263400.
Hereditary cancer-predisposing syndrome. Also called: Tumor predisposition; Hereditary Cancer Syndrome; Neoplastic Syndromes, Hereditary; Hereditary neoplastic syndrome. Identifiers: Orphanet 140162, MedGen C0027672, MeSH D009386, MONDO:0015356.

Submissions (2):

Ambry Genetics
Classification: Pathogenic for Hereditary cancer-predisposing syndrome. Last evaluated: 2025-11-26. Review status: criteria provided, single submitter. Criteria: Ambry Variant Classification Scheme 2023. Collection method: clinical testing. Allele origin: germline.
Comment: The c.524dupA pathogenic mutation, located in coding exon 3 of the VHL gene, results from a duplication of A at nucleotide position 524, causing a translational frameshift with a predicted alternate stop codon (p.Y175*). This variant was reported in individual(s) with features consistent with von Hippel-Lindau syndrome (Ambry internal data). This alteration occurs at the 3' terminus of the gene, is not expected to trigger nonsense-mediated mRNA decay, and impacts the last 18% of the protein. However, premature stop codons are typically deleterious in nature and the impacted region is critical for protein function (Ambry internal data). This variant is considered to be rare based on population cohorts in the Genome Aggregation Database (gnomAD). Based on the supporting evidence, this variant is interpreted as a disease-causing mutation.

Labcorp Genetics (formerly Invitae), Labcorp
Classification: Pathogenic for Von Hippel-Lindau syndrome; Chuvash polycythemia. Last evaluated: 2024-04-29. Review status: criteria provided, single submitter. Criteria: Invitae Variant Classification Sherloc (09022015). Collection method: clinical testing. Allele origin: germline.
Comment: This sequence change creates a premature translational stop signal (p.Tyr175*) in the VHL gene. While this is not anticipated to result in nonsense mediated decay, it is expected to disrupt the last 39 amino acid(s) of the VHL protein. This variant is not present in population databases (gnomAD no frequency). This premature translational stop signal has been observed in individual(s) with clinical features of von Hippel-Lindau syndrome (PMID: 12202531, 25867206). ClinVar contains an entry for this variant (Variation ID: 2119727). This variant disrupts a region of the VHL protein in which other variant(s) (p.Ser183*) have been determined to be pathogenic (PMID: 7563486, 7987306, 8707293, 8772572, 10567493, 11309459, 11331612, 16452184, 18567581, 23772956; Invitae). This suggests that this is a clinically significant region of the protein, and that variants that disrupt it are likely to be disease-causing. For these reasons, this variant has been classified as Pathogenic.

Literature cited by the submitters: PubMed 12202531 (cited by Labcorp Genetics (formerly Invitae), Labcorp); PubMed 25867206 (cited by Labcorp Genetics (formerly Invitae), Labcorp); PubMed 7563486 (cited by Labcorp Genetics (formerly Invitae), Labcorp); PubMed 7987306 (cited by Labcorp Genetics (formerly Invitae), Labcorp); PubMed 8707293 (cited by Labcorp Genetics (formerly Invitae), Labcorp); PubMed 8772572 (cited by Labcorp Genetics (formerly Invitae), Labcorp); PubMed 10567493 (cited by Labcorp Genetics (formerly Invitae), Labcorp); PubMed 11309459 (cited by Labcorp Genetics (formerly Invitae), Labcorp); PubMed 11331612 (cited by Labcorp Genetics (formerly Invitae), Labcorp); PubMed 16452184 (cited by Labcorp Genetics (formerly Invitae), Labcorp); PubMed 18567581 (cited by Labcorp Genetics (formerly Invitae), Labcorp); PubMed 23772956 (cited by Labcorp Genetics (formerly Invitae), Labcorp).